The following is an entry in ClinVar:

NM_018489.3(ASH1L):c.1836C>T (p.Asn612=)

Gene: ASH1L (ASH1 like histone lysine methyltransferase; minus strand). Cytogenetic location: 1q22.
Variant type: single nucleotide variant.
Coding change: c.1836C>T on transcript NM_018489.3 (MANE Select); coding-DNA position 1836, C replaced by T.
Protein change: p.Asn612=; no amino-acid change (asparagine 612 retained).
Molecular consequence: synonymous variant.
Genome position (GRCh38, 1-based): chr1:155,481,034, G>A on the plus strand (C>T on the coding strand, the complement: ASH1L is on the minus strand). VCF-style: chr1-155481034-G-A. GRCh37 (hg19) VCF-style: chr1-155450825-G-A.
Other names: c.1836C>T, p.Asn612= (NM_001366177.2).
Identifiers: ClinVar variation 4998183 (VCV004998183.1).

ClinVar aggregate classification (germline): Likely benign (1 of 4 stars; one submission).

Conditions:
ASH1L-related disorder. Also called: ASH1L-related condition.

gnomAD v4.1: 541 of 1,613,928 alleles (0.034%); highest among the groups gnomAD compares: South Asian, 0.11%; no homozygotes.

Submission:

PreventionGenetics, part of Exact Sciences
Classification: Likely benign for ASH1L-related condition. Last evaluated: 2025-02-09. Review status: criteria provided, single submitter. Criteria: ACMG Guidelines, 2015. Collection method: clinical testing. Allele origin: germline.
Comment: This variant is classified as likely benign based on ACMG/AMP sequence variant interpretation guidelines (Richards et al. 2015 PMID: 25741868, with internal and published modifications).